The following is an entry in ClinVar:

NM_201384.3(PLEC):c.7267G>A (p.Ala2423Thr)

Gene: PLEC (plectin; minus strand). Cytogenetic location: 8q24.3.
Variant type: single nucleotide variant.
Coding change: c.7267G>A on transcript NM_201384.3 (MANE Select); coding-DNA position 7267, G replaced by A.
Protein change: p.Ala2423Thr; replaces alanine 2423 with threonine.
Molecular consequence: missense variant.
Genome position (GRCh38, 1-based): chr8:143,922,662, C>T on the plus strand (G>A on the coding strand, the complement: PLEC is on the minus strand). VCF-style: chr8-143922662-C-T. GRCh37 (hg19) VCF-style: chr8-144996830-C-T.
Other names: p.Ala2409Thr; c.7348G>A, p.Ala2450Thr (NM_000445.5); c.7225G>A, p.Ala2409Thr (NM_201378.4); c.7201G>A, p.Ala2401Thr (NM_201379.3); c.7678G>A, p.Ala2560Thr (NM_201380.4); c.7171G>A, p.Ala2391Thr (NM_201381.3); c.7267G>A, p.Ala2423Thr (NM_201382.4); c.7279G>A, p.Ala2427Thr (NM_201383.3); short protein forms A2391T, A2401T, A2409T, A2423T, A2427T, A2450T, A2560T.
Identifiers: ClinVar variation 196716 (VCV000196716.70), dbSNP rs193257576, ClinGen allele CA202537.

ClinVar aggregate classification (germline): Conflicting classifications of pathogenicity. Review status: criteria provided, conflicting classifications (1 of 4 stars). 12 submissions from 12 submitters: Uncertain significance (1); Benign (3); Likely benign (4). 4 of the submissions do not count toward it. Last evaluated 2026-07-01.

Conditions:
PLEC-related disorder. Also called: PLEC-related condition; PLEC-related disorders.
Epidermolysis bullosa simplex 5B, with muscular dystrophy (EBS5B). Also called: Epidermolysis bullosa simplex with muscular dystrophy; EPIDERMOLYSIS BULLOSA SIMPLEX AND LIMB-GIRDLE MUSCULAR DYSTROPHY. Identifiers: Orphanet 257, MedGen C2931072, MONDO:0009181, OMIM 226670.
Epidermolysis bullosa simplex with nail dystrophy (EBS5D). Identifiers: MedGen C4225309, MONDO:0014661, OMIM 616487.
Autosomal recessive limb-girdle muscular dystrophy type 2Q (LGMDR17). Also called: MUSCULAR DYSTROPHY, LIMB-GIRDLE, AUTOSOMAL RECESSIVE 17. Identifiers: Orphanet 254361, MedGen C3150989, MONDO:0013390, OMIM 613723.
Epidermolysis bullosa simplex 5C, with pyloric atresia (EBS5C). Also called: PLEC-Related Epidermolysis Bullosa with Pyloric Atresia; PLEC1-Related Epidermolysis Bullosa with Pyloric Atresia; Epidermolysis bullosa simplex with pyloric atresia. Identifiers: Orphanet 158684, MedGen C2677349, MONDO:0012807, OMIM 612138.
Epidermolysis bullosa simplex, Ogna type (EBS5A). Also called: Pidermolysis bullosa simplex 5A, Ogna type; EPIDERMOLYSIS BULLOSA SIMPLEX 5A, OGNA TYPE. Identifiers: Orphanet 79401, MedGen C0432317, MONDO:0007555, OMIM 131950.

Allele frequency attached by ClinVar (database versions not stated): 1000 Genomes Project 0.00100; 1000 Genomes Project 30x 0.00125; gnomAD exomes 0.00279 and 0.00521; TOPMed 0.00298; ExAC 0.00300; gnomAD 0.00316 and 0.00321; ESP Exome Variant Server 0.00448.
gnomAD v4.1: 8,035 of 1,613,304 alleles (0.5%); highest among the groups gnomAD compares: Non-Finnish European, 0.63%; 26 homozygotes.

Submissions (12):

CeGaT Center for Human Genetics Tuebingen
Classification: Likely benign. Last evaluated: 2026-07-01. Review status: criteria provided, single submitter. Criteria: CeGaT Center For Human Genetics Tuebingen Variant Classification Criteria Version 2. Collection method: clinical testing. Allele origin: germline. Affected: yes. Observed: 17 variant alleles.
Comment: PLEC: BP4, BS2

Labcorp Genetics (formerly Invitae), Labcorp
Classification: Likely benign for Autosomal recessive limb-girdle muscular dystrophy type 2Q; Epidermolysis bullosa simplex, Ogna type; Epidermolysis bullosa simplex with nail dystrophy; Epidermolysis bullosa simplex 5C, with pyloric atresia; Epidermolysis bullosa simplex 5B, with muscular dystrophy. Last evaluated: 2026-02-01. Review status: criteria provided, single submitter. Criteria: Invitae Variant Classification Sherloc (09022015). Collection method: clinical testing. Allele origin: germline.

Blueprint Genetics
Classification: Likely benign. Last evaluated: 2024-11-27. Review status: criteria provided, single submitter. Criteria: ACMG Guidelines, 2015. Collection method: clinical testing. Allele origin: germline.

Mayo Clinic Laboratories, Mayo Clinic
Classification: Benign. Last evaluated: 2024-05-01. Review status: criteria provided, single submitter. Criteria: ACMG Guidelines, 2015. Collection method: clinical testing. Allele origin: germline. Observed: 24 variant alleles.
Comment: BA1, BP4

GeneDx
Classification: Likely benign. Last evaluated: 2020-09-30. Review status: criteria provided, single submitter. Criteria: GeneDx Variant Classification Process June 2021. Collection method: clinical testing. Allele origin: germline. Affected: yes.
Comment: This variant is associated with the following publications: (PMID: 32707200)

Athena Diagnostics
Classification: Benign. Last evaluated: 2018-03-30. Review status: criteria provided, single submitter. Criteria: Athena Diagnostics Criteria. Collection method: clinical testing. Allele origin: germline.

Genetic Services Laboratory, University of Chicago
Classification: Uncertain significance. Last evaluated: 2015-01-08. Review status: criteria provided, single submitter. Criteria: ACMG Guidelines, 2015. Collection method: clinical testing. Allele origin: germline.

Eurofins Ntd Llc (ga)
Classification: Benign. Last evaluated: 2014-05-08. Review status: criteria provided, single submitter. Criteria: EGL Classification Definitions 2015. Collection method: clinical testing. Allele origin: germline. Observed: 2 variant alleles, 2 heterozygotes.

PreventionGenetics, part of Exact Sciences
Classification: Likely benign for PLEC-related condition. Last evaluated: 2023-12-01. Review status: no assertion criteria provided. Collection method: clinical testing. Allele origin: germline. Not counted in ClinVar's aggregate classification.
Comment: This variant is classified as likely benign based on ACMG/AMP sequence variant interpretation guidelines (Richards et al. 2015 PMID: 25741868, with internal and published modifications).

Clinical Genetics DNA and cytogenetics Diagnostics Lab, Erasmus MC, Erasmus Medical Center
Classification: Likely benign. Review status: no assertion criteria provided. Collection method: clinical testing. Allele origin: germline. Affected: yes. Study: VKGL Data-share Consensus. Not counted in ClinVar's aggregate classification.

Diagnostic Laboratory, Department of Genetics, University Medical Center Groningen
Classification: Likely benign. Review status: no assertion criteria provided. Collection method: clinical testing. Allele origin: germline. Affected: yes. Study: VKGL Data-share Consensus. Not counted in ClinVar's aggregate classification.

Laboratory of Diagnostic Genome Analysis, Leiden University Medical Center (LUMC)
Classification: Likely benign. Review status: no assertion criteria provided. Collection method: clinical testing. Allele origin: germline. Affected: yes. Study: VKGL Data-share Consensus. Not counted in ClinVar's aggregate classification.